The following is an entry in ClinVar:

ClinVar aggregate classification (germline): Benign/Likely benign. Review status: criteria provided, multiple submitters, no conflicts (2 of 4 stars). 2 submissions from 2 submitters: Benign (1); Likely benign (1). Last evaluated 2026-04-01.

Conditions:
Bethlem myopathy 1A. Also called: MYOPATHY, BENIGN CONGENITAL, WITH CONTRACTURES; Bethlem Muscular Dystrophy; Bethlem myopathy 1. Identifiers: Orphanet 610, MedGen CN029274, MONDO:0024530, OMIM 158810.

gnomAD v4.1: 7 of 1,602,886 alleles (0.00044%); highest among the groups gnomAD compares: African/African-American, 0.0013%; no homozygotes.

Submissions (2):

CeGaT Center for Human Genetics Tuebingen
Classification: Likely benign. Last evaluated: 2026-04-01. Review status: criteria provided, single submitter. Criteria: CeGaT Center For Human Genetics Tuebingen Variant Classification Criteria Version 2. Collection method: clinical testing. Allele origin: germline. Affected: yes. Observed: 1 variant allele.
Comment: COL6A1: BP4, BP7

Labcorp Genetics (formerly Invitae), Labcorp
Classification: Benign for Bethlem myopathy 1A. Last evaluated: 2024-12-03. Review status: criteria provided, single submitter. Criteria: Invitae Variant Classification Sherloc (09022015). Collection method: clinical testing. Allele origin: germline.

NM_001848.3(COL6A1):c.2976C>T (p.Ala992=)

Gene: COL6A1 (collagen type VI alpha 1 chain; plus strand). Cytogenetic location: 21q22.3.
Variant type: single nucleotide variant.
Coding change: c.2976C>T on transcript NM_001848.3 (MANE Select); coding-DNA position 2976, C replaced by T.
Protein change: p.Ala992=; no amino-acid change (alanine 992 retained).
Molecular consequence: synonymous variant.
Genome position (GRCh38, 1-based): chr21:46,003,902, C>T. VCF-style: chr21-46003902-C-T. GRCh37 (hg19) VCF-style: chr21-47423816-C-T.
Identifiers: ClinVar variation 3707725 (VCV003707725.4).
Genomic context (GRCh38, chr21:46,003,902, plus strand): 5'-GGTCGTGGGCCGCCAGGTGAATGAGCCCCACATCCGCGTCCTGGTCACCGGCAAGACGGC[C>T]GAGTACGACGTGGCCTACGGCGAGAGCCACCTGTTCCGTGTCCCCAGCTACCAGGCCCTG-3'
Protein context (NP_001839.2, residues 982-1002): HIRVLVTGKT[Ala992=]EYDVAYGESH